The following is an entry in ClinVar:

NM_001130438.3(SPTAN1):c.4814A>G (p.His1605Arg)

Gene: SPTAN1 (spectrin alpha, non-erythrocytic 1; plus strand). Cytogenetic location: 9q34.11.
Variant type: single nucleotide variant.
Coding change: c.4814A>G on transcript NM_001130438.3 (MANE Select); coding-DNA position 4814, A replaced by G.
Protein change: p.His1605Arg; replaces histidine 1605 with arginine.
Molecular consequence: missense variant.
Genome position (GRCh38, 1-based): chr9:128,611,754, A>G. VCF-style: chr9-128611754-A-G. GRCh37 (hg19) VCF-style: chr9-131374033-A-G.
Other names: c.4739A>G, p.His1580Arg (NM_001195532.2); c.4814A>G, p.His1605Arg (NM_001363759.2, NM_001375310.1, NM_001375311.2 and 1 more transcripts); c.4754A>G, p.His1585Arg (NM_001363765.2, NM_001375314.2); c.4850A>G, p.His1617Arg (NM_001375312.2, NM_001375318.1); c.4799A>G, p.His1600Arg (NM_003127.4); short protein forms H1580R, H1585R, H1600R, H1605R, H1617R.
Identifiers: ClinVar variation 1714986 (VCV001714986.5), dbSNP rs2541833724, ClinGen allele CA375070279.
Genomic context (GRCh38, chr9:128,611,754, plus strand): 5'-AATTTTTTTGGTATTTTTAGAGCAAGCACCAGAAGCACCAGGCTTTTGAAGCAGAGCTGC[A>G]TGCCAACGCTGACCGGATCCGTGGGGTTATCGACATGGGCAACTCCCTCATTGAACGTGG-3'
Protein context (NP_001123910.1, residues 1595-1615): QKHQAFEAEL[His1605Arg]ANADRIRGVI

ClinVar aggregate classification (germline): Uncertain significance (1 of 4 stars; one submission).

Conditions:
Early-infantile DEE. Also called: Early infantile epileptic encephalopathy with suppression bursts; Early infantile epileptic encephalopathy; Ohtahara syndrome. Identifiers: Orphanet 1934, MedGen C0393706, MONDO:0800491.

Submission:

Labcorp Genetics (formerly Invitae), Labcorp
Classification: Uncertain significance for Early-infantile DEE. Last evaluated: 2022-08-03. Review status: criteria provided, single submitter. Criteria: Invitae Variant Classification Sherloc (09022015). Collection method: clinical testing. Allele origin: germline.
Comment: This variant has not been reported in the literature in individuals affected with SPTAN1-related conditions. This variant is not present in population databases (gnomAD no frequency). This sequence change replaces histidine, which is basic and polar, with arginine, which is basic and polar, at codon 1605 of the SPTAN1 protein (p.His1605Arg). Algorithms developed to predict the effect of missense changes on protein structure and function (SIFT, PolyPhen-2, Align-GVGD) all suggest that this variant is likely to be tolerated. In summary, the available evidence is currently insufficient to determine the role of this variant in disease. Therefore, it has been classified as a Variant of Uncertain Significance.